The following is an entry in ClinVar:

NC_000005.10:g.112707483A>G

Genes: APC (APC regulator of Wnt signaling pathway; plus strand), LOC129994371 (ATAC-STARR-seq lymphoblastoid active region 22910; plus strand). Cytogenetic location: 5q22.2.
Variant type: single nucleotide variant.
Genome position: GRCh38 VCF-style: chr5-112707483-A-G. GRCh37 (hg19) VCF-style: chr5-112043180-A-G.
Identifiers: ClinVar variation 3614148 (VCV003614148.2).
Genomic context (GRCh38, chr5:112,707,483, plus strand): 5'-AGCACCCATTGCGCCTGCGCATAACAGGCTCTAGTCTCCGGGCTGTGGGAAGCCAGCAAC[A>G]CCTCTCACGCATGCGCATTGTAGTCTTCCCACCTCCCACAAGATGGCGGAGGGCAAGTAG-3'

ClinVar aggregate classification (germline): Uncertain significance (1 of 4 stars; one submission).

Conditions:
Familial adenomatous polyposis 1 (FAP1). Also called: FAMILIAL ADENOMATOUS POLYPOSIS 1, ATTENUATED; POLYPOSIS, ADENOMATOUS INTESTINAL. Identifiers: MedGen C2713442, MONDO:0021056, OMIM 175100. Disease mechanism: loss of function.

Submission:

Labcorp Genetics (formerly Invitae), Labcorp
Classification: Uncertain significance for Familial adenomatous polyposis 1. Last evaluated: 2024-07-16. Review status: criteria provided, single submitter. Criteria: Invitae Variant Classification Sherloc (09022015). Collection method: clinical testing. Allele origin: germline.
Comment: This variant occurs in a non-coding region of the APC gene. It does not change the encoded amino acid sequence of the APC protein. This variant is not present in population databases (gnomAD no frequency). This variant has not been reported in the literature in individuals affected with APC-related conditions. Experimental studies and prediction algorithms are not available or were not evaluated, and the functional significance of this variant is currently unknown. In summary, the available evidence is currently insufficient to determine the role of this variant in disease. Therefore, it has been classified as a Variant of Uncertain Significance.